The following is an entry in ClinVar:

NM_001164760.2(PRKAR1B):c.236A>C (p.Asp79Ala)

Gene: PRKAR1B (protein kinase cAMP-dependent type I regulatory subunit beta; minus strand). Cytogenetic location: 7p22.3.
Variant type: single nucleotide variant.
Coding change: c.236A>C on transcript NM_001164760.2 (MANE Select); coding-DNA position 236, A replaced by C.
Protein change: p.Asp79Ala; replaces aspartic acid 79 with alanine.
Molecular consequence: missense variant.
Genome position (GRCh38, 1-based): chr7:680,668, T>G on the plus strand (A>C on the coding strand, the complement: PRKAR1B is on the minus strand). VCF-style: chr7-680668-T-G. GRCh37 (hg19) VCF-style: chr7-720305-T-G.
Other names: c.236A>C, p.Asp79Ala (NM_001164761.2, NM_001164762.2, NM_002735.3 and 2 more transcripts); short protein forms D79A.
Identifiers: ClinVar variation 5017065 (VCV005017065.1).

ClinVar aggregate classification (germline): Uncertain significance (1 of 4 stars; one submission).

Submission:

GeneDx
Classification: Uncertain significance. Last evaluated: 2026-03-26. Review status: criteria provided, single submitter. Criteria: GeneDx Variant Classification Process June 2021. Collection method: clinical testing. Allele origin: germline.
Comment: Not observed at significant frequency in large population cohorts (gnomAD); In silico analysis supports that this missense variant has a deleterious effect on protein structure/function; Has not been previously published as pathogenic or benign to our knowledge